The following is an entry in ClinVar:

NM_000550.3(TYRP1):c.936G>C (p.Arg312Ser)

Genes: LURAP1L-AS1 (LURAP1L antisense RNA 1; minus strand), TYRP1 (tyrosinase related protein 1; plus strand). Cytogenetic location: 9p23.
Variant type: single nucleotide variant.
Coding change: c.936G>C on transcript NM_000550.3 (MANE Select); coding-DNA position 936, G replaced by C.
Protein change: p.Arg312Ser; replaces arginine 312 with serine.
Molecular consequence: missense variant.
Genome position (GRCh38, 1-based): chr9:12,702,293, G>C. VCF-style: chr9-12702293-G-C. GRCh37 (hg19) VCF-style: chr9-12702293-G-C.
Other names: short protein forms R312S.
Identifiers: ClinVar variation 1948667 (VCV001948667.2), dbSNP rs371838705, ClinGen allele CA4985388.

ClinVar aggregate classification (germline): Uncertain significance (1 of 4 stars; one submission).

Allele frequency attached by ClinVar (database versions not stated): gnomAD exomes below 0.00001; TOPMed below 0.00001; ExAC 0.00001; gnomAD 0.00001; ESP Exome Variant Server 0.00008.
gnomAD v4.1: 3 of 1,612,936 alleles (0.00019%); highest among the groups gnomAD compares: Non-Finnish European, 0.00025%; no homozygotes.

Submission:

Labcorp Genetics (formerly Invitae), Labcorp
Classification: Uncertain significance. Last evaluated: 2022-04-12. Review status: criteria provided, single submitter. Criteria: Invitae Variant Classification Sherloc (09022015). Collection method: clinical testing. Allele origin: germline.
Comment: This sequence change replaces arginine, which is basic and polar, with serine, which is neutral and polar, at codon 312 of the TYRP1 protein (p.Arg312Ser). This variant is not present in population databases (gnomAD no frequency). This variant has not been reported in the literature in individuals affected with TYRP1-related conditions. Algorithms developed to predict the effect of missense changes on protein structure and function are either unavailable or do not agree on the potential impact of this missense change (SIFT: "Tolerated"; PolyPhen-2: "Possibly Damaging"; Align-GVGD: "Class C0"). In summary, the available evidence is currently insufficient to determine the role of this variant in disease. Therefore, it has been classified as a Variant of Uncertain Significance.